The following is an entry in ClinVar:

NM_001364171.2(ODAD1):c.424del (p.Leu142fs)

Gene: ODAD1 (outer dynein arm docking complex subunit 1; minus strand). Cytogenetic location: 19q13.33.
Variant type: Deletion.
Coding change: c.424del on transcript NM_001364171.2 (MANE Select); coding-DNA position 424, one base deleted (C; older notation c.424delC).
Protein change: p.Leu142fs; shifts the reading frame from leucine 142.
Molecular consequence: frameshift variant.
Genome position (GRCh38, 1-based): chr19:48,312,053, G deleted on the plus strand (C on the coding strand, the reverse complement: ODAD1 is on the minus strand); the first of 2 consecutive G bases (chr19:48,312,053-48,312,054); deleting either gives the same sequence. VCF-style (leftmost placement, unchanged base first): chr19-48312052-AG-A. GRCh37 (hg19) VCF-style: chr19-48815309-AG-A.
Other names: c.313del, p.Leu105fs (NM_144577.4); short protein forms L105fs, L142fs.
Identifiers: ClinVar variation 1799655 (VCV001799655.2), dbSNP rs2515950149, ClinGen allele CA2580097465.

ClinVar aggregate classification (germline): Pathogenic (1 of 4 stars; one submission).

Conditions:
Primary ciliary dyskinesia. Also called: Ciliary dyskinesia. Identifiers: Orphanet 244, MedGen C0008780, MONDO:0016575, HP:0012265.

Submission:

Ambry Genetics
Classification: Pathogenic for Primary ciliary dyskinesia. Last evaluated: 2016-08-19. Review status: criteria provided, single submitter. Criteria: Ambry Variant Classification Scheme 2023. Collection method: clinical testing. Allele origin: germline.
Comment: The c.313delC pathogenic mutation, located in coding exon 3 of the CCDC114 gene, results from a deletion of one nucleotide at nucleotide position 313, causing a translational frameshift with a predicted alternate stop codon (p.L105Wfs*14). This alteration is expected to result in loss of function by premature protein truncation or nonsense-mediated mRNA decay. As such, this alteration is interpreted as a disease-causing mutation.